The following is an entry in ClinVar:

ClinVar aggregate classification (germline): Uncertain significance (1 of 4 stars; one submission).

Submission:

CeGaT Center for Human Genetics Tuebingen
Classification: Uncertain significance. Last evaluated: 2026-10-01. Review status: criteria provided, single submitter. Criteria: CeGaT Center For Human Genetics Tuebingen Variant Classification Criteria Version 2. Collection method: clinical testing. Allele origin: germline. Affected: yes. Observed: 1 variant allele.
Comment: APOB: PM2, PM4:Supporting

NM_000384.3(APOB):c.6034_6036del (p.Arg2012del)

Gene: APOB (apolipoprotein B; minus strand). Cytogenetic location: 2p24.1.
Variant type: Deletion.
Coding change: c.6034_6036del on transcript NM_000384.3 (MANE Select); coding-DNA positions 6034 to 6036, 3 bases deleted (CGA; older notation c.6034_6036delCGA).
Protein change: p.Arg2012del; deletes arginine 2012.
Molecular consequence: inframe deletion.
Genome position (GRCh38, 1-based): chr2:21,010,832-21,010,834, TCG deleted on the plus strand (CGA on the coding strand, the reverse complement: APOB is on the minus strand); deleting any 3 consecutive bases within chr2:21,010,832-21,010,836 gives the same sequence; the c. name uses the placement nearest the transcript's 3' end. VCF-style (leftmost placement, unchanged base first): chr2-21010831-TTCG-T. GRCh37 (hg19) VCF-style: chr2-21233703-TTCG-T.
Other names: short protein forms R2012del.
Identifiers: ClinVar variation 5041805 (VCV005041805.1), dbSNP rs1663292961.